The following is an entry in ClinVar:

NC_000001.10:g.(?_160160542)_(160171166_?)dup

Gene: CASQ1 (calsequestrin 1; plus strand). Cytogenetic location: 1q23.2.
Variant type: Duplication.
Identifiers: ClinVar variation 1421152 (VCV001421152.4).

ClinVar aggregate classification (germline): Uncertain significance (1 of 4 stars; one submission).

Submission:

Labcorp Genetics (formerly Invitae), Labcorp
Classification: Uncertain significance. Last evaluated: 2021-08-11. Review status: criteria provided, single submitter. Criteria: Invitae Variant Classification Sherloc (09022015). Collection method: clinical testing. Allele origin: germline.
Comment: In summary, the available evidence is currently insufficient to determine the role of this variant in disease. Therefore, it has been classified as a Variant of Uncertain Significance. This variant has not been reported in the literature in individuals affected with CASQ1-related conditions. A copy number gain of the genomic region encompassing the full coding sequence of the CASQ1 gene has been identified. The boundaries of this event are unknown as they extend beyond the assayed region for this gene and therefore may encompass additional genes. As the precise location of this event is unknown, it may be in tandem or it may be located elsewhere in the genome.